The following is an entry in ClinVar:

NM_020297.4(ABCC9):c.1220A>G (p.Glu407Gly)

Gene: ABCC9 (ATP binding cassette subfamily C member 9; minus strand). Cytogenetic location: 12p12.1.
Variant type: single nucleotide variant.
Coding change: c.1220A>G on transcript NM_020297.4 (MANE Select); coding-DNA position 1220, A replaced by G.
Protein change: p.Glu407Gly; replaces glutamic acid 407 with glycine.
Molecular consequence: missense variant.
Genome position (GRCh38, 1-based): chr12:21,910,257, T>C on the plus strand (A>G on the coding strand, the complement: ABCC9 is on the minus strand). VCF-style: chr12-21910257-T-C. GRCh37 (hg19) VCF-style: chr12-22063191-T-C.
Other names: c.1220A>G, p.Glu407Gly (NM_001377273.1, NM_005691.4); c.356A>G, p.Glu119Gly (NM_001377274.1); short protein forms E119G, E407G.
Identifiers: ClinVar variation 3664356 (VCV003664356.2).
Genomic context (GRCh38, chr12:21,910,257, plus strand): 5'-AACCACATGAGTTGATTAGTTTCAATGGCGACTAAGTTGTTGATCTGCCCCAGAGTCATC[T>C]CCCCCATGGATAAGTTAGACGTAGAGAGCCTAAGGATTTTATTATAAATCATGGCCTACC-3'
Protein context (NP_064693.2, residues 397-417): RLSTSNLSMG[Glu407Gly]MTLGQINNLV

ClinVar aggregate classification (germline): Uncertain significance (1 of 4 stars; one submission).

Conditions:
Dilated cardiomyopathy 1O (CMD1O). Also called: CARDIOMYOPATHY, DILATED, WITH VENTRICULAR TACHYCARDIA. Identifiers: Orphanet 154, MedGen C1837839, MONDO:0012062, OMIM 608569.

Submission:

Labcorp Genetics (formerly Invitae), Labcorp
Classification: Uncertain significance for Dilated cardiomyopathy 1O. Last evaluated: 2024-09-03. Review status: criteria provided, single submitter. Criteria: Invitae Variant Classification Sherloc (09022015). Collection method: clinical testing. Allele origin: germline.
Comment: This sequence change replaces glutamic acid, which is acidic and polar, with glycine, which is neutral and non-polar, at codon 407 of the ABCC9 protein (p.Glu407Gly). This variant is not present in population databases (gnomAD no frequency). This variant has not been reported in the literature in individuals affected with ABCC9-related conditions. Invitae Evidence Modeling of protein sequence and biophysical properties (such as structural, functional, and spatial information, amino acid conservation, physicochemical variation, residue mobility, and thermodynamic stability) has been performed for this missense variant. However, the output from this modeling did not meet the statistical confidence thresholds required to predict the impact of this variant on ABCC9 protein function. Algorithms developed to predict the effect of sequence changes on RNA splicing suggest that this variant may disrupt the consensus splice site. In summary, the available evidence is currently insufficient to determine the role of this variant in disease. Therefore, it has been classified as a Variant of Uncertain Significance.